The following is an entry in ClinVar:

NM_005219.5(DIAPH1):c.2473+3G>C

Gene: DIAPH1 (diaphanous related formin 1; minus strand). Cytogenetic location: 5q31.3.
Variant type: single nucleotide variant.
Coding change: c.2473+3G>C on transcript NM_005219.5 (MANE Select); 3 bases into the intron after coding-DNA position 2473, G replaced by C.
Molecular consequence: intron variant.
Genome position (GRCh38, 1-based): chr5:141,571,923, C>G on the plus strand (G>C on the coding strand, the complement: DIAPH1 is on the minus strand). VCF-style: chr5-141571923-C-G. GRCh37 (hg19) VCF-style: chr5-140951490-C-G.
Other names: c.2446+3G>C (NM_001079812.3); c.2473+3G>C (NM_001314007.2).
Identifiers: ClinVar variation 2945738 (VCV002945738.3), dbSNP rs968587277, ClinGen allele CA563366730.

ClinVar aggregate classification (germline): Uncertain significance (1 of 4 stars; one submission).

Conditions:
Autosomal dominant nonsyndromic hearing loss 1. Also called: KONIGSMARK SYNDROME; DEAFNESS, AUTOSOMAL DOMINANT 1, WITH OR WITHOUT THROMBOCYTOPENIA. Identifiers: Orphanet 90635, MedGen C1852282, MONDO:0007424, OMIM 124900.
Progressive microcephaly-seizures-cortical blindness-developmental delay syndrome. Also called: Seizures, cortical blindness, and microcephaly syndrome. Identifiers: Orphanet 477814, MedGen C5567650, MONDO:0014714, OMIM 616632.

gnomAD v4.1: 2 of 1,598,270 alleles (0.00013%); highest among the groups gnomAD compares: African/African-American, 0.0027%; no homozygotes.

Submission:

Labcorp Genetics (formerly Invitae), Labcorp
Classification: Uncertain significance for Progressive microcephaly-seizures-cortical blindness-developmental delay syndrome; Autosomal dominant nonsyndromic hearing loss 1. Last evaluated: 2024-04-20. Review status: criteria provided, single submitter. Criteria: Invitae Variant Classification Sherloc (09022015). Collection method: clinical testing. Allele origin: germline.
Comment: This sequence change falls in intron 17 of the DIAPH1 gene. It does not directly change the encoded amino acid sequence of the DIAPH1 protein. It affects a nucleotide within the consensus splice site. This variant is present in population databases (no rsID available, gnomAD 0.01%). This variant has not been reported in the literature in individuals affected with DIAPH1-related conditions. Variants that disrupt the consensus splice site are a relatively common cause of aberrant splicing (PMID: 17576681, 9536098). Algorithms developed to predict the effect of sequence changes on RNA splicing suggest that this variant may disrupt the consensus splice site. In summary, the available evidence is currently insufficient to determine the role of this variant in disease. Therefore, it has been classified as a Variant of Uncertain Significance.

Literature cited by the submitters: PubMed 17576681; PubMed 9536098.